The following is an entry in ClinVar:

NM_003482.4(KMT2D):c.8988T>C (p.Asp2996=)

Gene: KMT2D (lysine methyltransferase 2D; minus strand). Cytogenetic location: 12q13.12.
Variant type: single nucleotide variant.
Coding change: c.8988T>C on transcript NM_003482.4 (MANE Select); coding-DNA position 8988, T replaced by C.
Protein change: p.Asp2996=; no amino-acid change (aspartic acid 2996 retained).
Molecular consequence: synonymous variant.
Genome position (GRCh38, 1-based): chr12:49,038,368, A>G on the plus strand (T>C on the coding strand, the complement: KMT2D is on the minus strand). VCF-style: chr12-49038368-A-G. GRCh37 (hg19) VCF-style: chr12-49432151-A-G.
Identifiers: ClinVar variation 2642952 (VCV002642952.27), dbSNP rs1362853155, ClinGen allele CA479710593.

ClinVar aggregate classification (germline): Benign/Likely benign. Review status: criteria provided, multiple submitters, no conflicts (2 of 4 stars). 2 submissions from 2 submitters: Benign (1); Likely benign (1). Last evaluated 2025-12-06.

Conditions:
Kabuki syndrome. Also called: NIIKAWA-KUROKI SYNDROME; Kabuki make-up syndrome. Identifiers: Orphanet 2322, MedGen C0796004, MONDO:0016512.

Allele frequency attached by ClinVar (database versions not stated): TOPMed below 0.00001; gnomAD 0.00001.
gnomAD v4.1: 9 of 1,613,666 alleles (0.00056%); highest among the groups gnomAD compares: Non-Finnish European, 0.00076%; no homozygotes.

Submissions (2):

Labcorp Genetics (formerly Invitae), Labcorp
Classification: Benign for Kabuki syndrome. Last evaluated: 2025-12-06. Review status: criteria provided, single submitter. Criteria: Invitae Variant Classification Sherloc (09022015). Collection method: clinical testing. Allele origin: germline.

CeGaT Center for Human Genetics Tuebingen
Classification: Likely benign. Last evaluated: 2023-07-01. Review status: criteria provided, single submitter. Criteria: CeGaT Center For Human Genetics Tuebingen Variant Classification Criteria Version 2. Collection method: clinical testing. Allele origin: germline. Affected: yes. Observed: 1 variant allele.
Comment: KMT2D: BP4, BP7